The following is an entry in ClinVar:

ClinVar aggregate classification (germline): Uncertain significance. Review status: criteria provided, multiple submitters, no conflicts (2 of 4 stars). 4 submissions from 4 submitters: Uncertain significance (4). Last evaluated 2026-03-29.

Conditions:
PRX-related disorder. Also called: PRX-Related Disorders; PRX-related condition.
Inborn genetic diseases. Identifiers: MedGen C0950123, MeSH D030342.
Charcot-Marie-Tooth disease type 4. Also called: Charcot-Marie-Tooth disease, type IV; Charcot-Marie-Tooth, Type 4. Identifiers: Orphanet 64749, MedGen C4082197, MONDO:0018995.

Allele frequency attached by ClinVar (database versions not stated): gnomAD exomes below 0.00001 and 0.00001; TOPMed 0.00001.
gnomAD v4.1: 20 of 1,613,996 alleles (0.0012%); highest among the groups gnomAD compares: Non-Finnish European, 0.0017%; no homozygotes.

Submissions (4):

PreventionGenetics, part of Exact Sciences
Classification: Uncertain significance for PRX-related condition. Last evaluated: 2026-03-29. Review status: criteria provided, single submitter. Criteria: ACMG Guidelines, 2015. Collection method: clinical testing. Allele origin: germline.
Comment: The PRX c.1658A>G variant is predicted to result in the amino acid substitution p.Glu553Gly. To our knowledge, this variant has not been reported in the literature. This variant is reported in 0.00088% of alleles in individuals of European (Non-Finnish) descent in gnomAD. At this time, the clinical significance of this variant is uncertain due to the absence of conclusive functional and genetic evidence.

GeneDx
Classification: Uncertain significance. Last evaluated: 2025-11-05. Review status: criteria provided, single submitter. Criteria: GeneDx Variant Classification Process June 2021. Collection method: clinical testing. Allele origin: germline. Affected: yes.
Comment: Not observed at significant frequency in large population cohorts (gnomAD); In silico analysis suggests that this missense variant does not alter protein structure/function; Has not been previously published as pathogenic or benign to our knowledge

Labcorp Genetics (formerly Invitae), Labcorp
Classification: Uncertain significance for Charcot-Marie-Tooth disease type 4. Last evaluated: 2024-09-01. Review status: criteria provided, single submitter. Criteria: Invitae Variant Classification Sherloc (09022015). Collection method: clinical testing. Allele origin: germline.
Comment: This sequence change replaces glutamic acid, which is acidic and polar, with glycine, which is neutral and non-polar, at codon 553 of the PRX protein (p.Glu553Gly). This variant is present in population databases (no rsID available, gnomAD 0.0009%). This variant has not been reported in the literature in individuals affected with PRX-related conditions. ClinVar contains an entry for this variant (Variation ID: 246536). An algorithm developed to predict the effect of missense changes on protein structure and function (PolyPhen-2) suggests that this variant is likely to be disruptive. In summary, the available evidence is currently insufficient to determine the role of this variant in disease. Therefore, it has been classified as a Variant of Uncertain Significance.

Ambry Genetics
Classification: Uncertain significance for Inborn genetic diseases. Last evaluated: 2021-11-09. Review status: criteria provided, single submitter. Criteria: Ambry Variant Classification Scheme 2023. Collection method: clinical testing. Allele origin: germline.
Comment: The p.E553G variant (also known as c.1658A>G), located in coding exon 4 of the PRX gene, results from an A to G substitution at nucleotide position 1658. The glutamic acid at codon 553 is replaced by glycine, an amino acid with similar properties. This amino acid position is well conserved in available vertebrate species; however, glycine is the reference amino acid in other vertebrate species. In addition, this alteration is predicted to be tolerated by in silico analysis. Since supporting evidence is limited at this time, the clinical significance of this alteration remains unclear.

NM_181882.3(PRX):c.1658A>G (p.Glu553Gly)

Gene: PRX (periaxin; minus strand). Cytogenetic location: 19q13.2.
Variant type: single nucleotide variant.
Coding change: c.1658A>G on transcript NM_181882.3 (MANE Select); coding-DNA position 1658, A replaced by G.
Protein change: p.Glu553Gly; replaces glutamic acid 553 with glycine.
Molecular consequence: missense variant. On other transcripts: 3 prime UTR variant (1).
Genome position (GRCh38, 1-based): chr19:40,396,694, T>C on the plus strand (A>G on the coding strand, the complement: PRX is on the minus strand). VCF-style: chr19-40396694-T-C. GRCh37 (hg19) VCF-style: chr19-40902601-T-C.
Other names: c.*1863A>G (NM_020956.2); short protein forms E553G.
Identifiers: ClinVar variation 246536 (VCV000246536.18), dbSNP rs879254301, ClinGen allele CA10584611.